The following is an entry in ClinVar:

ClinVar aggregate classification (germline): Uncertain significance (1 of 4 stars; one submission).

Conditions:
Inborn genetic diseases. Identifiers: MedGen C0950123, MeSH D030342.

Submission:

Ambry Genetics
Classification: Uncertain significance for Inborn genetic diseases. Last evaluated: 2024-02-28. Review status: criteria provided, single submitter. Criteria: Ambry Variant Classification Scheme 2023. Collection method: clinical testing. Allele origin: germline.
Comment: The p.P791S variant (also known as c.2371C>T), located in coding exon 15 of the EPAS1 gene, results from a C to T substitution at nucleotide position 2371. The proline at codon 791 is replaced by serine, an amino acid with similar properties. This amino acid position is conserved. In addition, this alteration is predicted to be tolerated by in silico analysis. Based on the available evidence, the clinical significance of this alteration remains unclear.

NM_001430.5(EPAS1):c.2371C>T (p.Pro791Ser)

Gene: EPAS1 (endothelial PAS domain protein 1; plus strand). Cytogenetic location: 2p21.
Variant type: single nucleotide variant.
Coding change: c.2371C>T on transcript NM_001430.5 (MANE Select); coding-DNA position 2371, C replaced by T.
Protein change: p.Pro791Ser; replaces proline 791 with serine.
Molecular consequence: missense variant.
Genome position (GRCh38, 1-based): chr2:46,382,508, C>T. VCF-style: chr2-46382508-C-T. GRCh37 (hg19) VCF-style: chr2-46609647-C-T.
Other names: short protein forms P791S.
Identifiers: ClinVar variation 3221626 (VCV003221626.1), dbSNP rs2546480850, ClinGen allele CA346706146.